The following is an entry in ClinVar:

NC_000022.10:g.(?_38528818)_(38539315_?)dup

Gene: PLA2G6 (phospholipase A2 group VI; minus strand). Cytogenetic location: 22q13.1.
Variant type: Duplication.
Identifiers: ClinVar variation 1076982 (VCV001076982.6).

ClinVar aggregate classification (germline): Pathogenic (1 of 4 stars; one submission).

Conditions:
Infantile neuroaxonal dystrophy (NBIA2A). Also called: NEURODEGENERATION WITH BRAIN IRON ACCUMULATION 2A; SEITELBERGER DISEASE; Infantile neuroaxonal dystrophy 1. Identifiers: Orphanet 35069, MedGen C0270724, MONDO:0024457, OMIM 256600.

Submission:

Labcorp Genetics (formerly Invitae), Labcorp
Classification: Pathogenic for Infantile neuroaxonal dystrophy. Last evaluated: 2024-01-24. Review status: criteria provided, single submitter. Criteria: Invitae Variant Classification Sherloc (09022015). Collection method: clinical testing. Allele origin: germline.
Comment: This variant results in a copy number gain of the genomic region encompassing exon(s) 4-7 of the PLA2G6 gene. While the exact position of this variant cannot be determined from the data, sub-genic copy number gains are generally in tandem (PMID: 25640679). This variant is predicted to be out-of-frame, and may result in an absent or disrupted protein product. Loss-of-function variants in PLA2G6 are known to be pathogenic (PMID: 16783378, 18570303, 18799783, 22213678). A similar copy number variant has been observed in individuals with infantile neuroaxonal dystrophy (PMID: 20226704, 26668131). For these reasons, this variant has been classified as Pathogenic.

Literature cited by the submitters: PubMed 25640679; PubMed 16783378; PubMed 18570303; PubMed 18799783; PubMed 22213678; PubMed 20226704; PubMed 26668131.